The following is an entry in ClinVar:

ClinVar aggregate classification (germline): Likely pathogenic (1 of 4 stars; one submission).

Conditions:
Genitopatellar syndrome (GTPTS). Also called: Genitopatellar syndrome (GPS); ABSENT PATELLAE, SCROTAL HYPOPLASIA, RENAL ANOMALIES, FACIAL DYSMORPHISM, AND MENTAL RETARDATION. Identifiers: Orphanet 85201, MedGen C1853566, MONDO:0011640, OMIM 606170.

Submission:

Broad Center for Mendelian Genomics, Broad Institute of MIT and Harvard
Classification: Likely pathogenic for Genitopatellar syndrome. Last evaluated: 2023-01-25. Review status: criteria provided, single submitter. Criteria: ACMG Guidelines, 2015. Collection method: curation. Allele origin: germline. Inheritance: Autosomal dominant inheritance.
Comment: Trio exome analysis showed this variant to be de novo. The p.Asn1230LysfsTer10 variant in KAT6B has not been previously reported in individuals with genitopatellar syndrome. This variant was absent from large population studies. This variant is predicted to cause a frameshift, which alters the protein‚Äôs amino acid sequence beginning at position 1230 and leads to a premature termination codon 10 amino acids downstream. This termination codon occurs within the terminal 50 bases of the last exon and is more likely to escape nonsense mediated decay (NMD) and result in a truncated protein. Heterozygous loss of function of the KAT6B gene is an established disease mechanism in autosomal dominant genitopatellar syndrome. In summary, although additional studies are required to fully establish its clinical significance, this variant is likely pathogenic for autosomal recessive congenital myasthenic syndrome 19. ACMG/AMP Criteria applied: PVS1_Strong, PS2_Supporting, PM2_Supporting (Richards 2015).

NM_012330.4(KAT6B):c.3690_3699del (p.Asn1230fs)

Gene: KAT6B (lysine acetyltransferase 6B; plus strand). Cytogenetic location: 10q22.2.
Variant type: Deletion.
Coding change: c.3690_3699del on transcript NM_012330.4 (MANE Select); coding-DNA positions 3690 to 3699, 10 bases deleted (CTTGAAAGAA; older notation c.3690_3699delCTTGAAAGAA).
Protein change: p.Asn1230fs; shifts the reading frame from asparagine 1230.
Molecular consequence: frameshift variant.
Genome position (GRCh38, 1-based): chr10:75,028,514-75,028,523, CTTGAAAGAA deleted; deleting any 10 consecutive bases within chr10:75,028,512-75,028,523 gives the same sequence; the c. name uses the placement nearest the transcript's 3' end. VCF-style (leftmost placement, unchanged base first): chr10-75028511-TAACTTGAAAG-T. GRCh37 (hg19) VCF-style: chr10-76788269-TAACTTGAAAG-T.
Other names: NM_001256469.2:c.2814_2823del; c.3141_3150del, p.Asn1047fs (NM_001256468.2, NM_001370138.1); c.2814_2823del, p.Asn938fs (NM_001256469.2, NM_001370139.1, NM_001370140.1 and 2 more transcripts); c.2652_2661del, p.Asn884fs (NM_001370132.1); c.2001_2010del, p.Asn667fs (NM_001370133.1); c.1605_1614del, p.Asn535fs (NM_001370134.1); c.1347_1356del, p.Asn449fs (NM_001370135.1); c.3690_3699del, p.Asn1230fs (NM_001370136.1, NM_001370137.1); and 1 more; short protein forms N875fs, N1047fs, N449fs, N1230fs, N667fs, N884fs, N535fs, N938fs.
Identifiers: ClinVar variation 2412709 (VCV002412709.1), dbSNP rs2549196742, ClinGen allele CA2573332436.
Genomic context (GRCh38, chr10:75,028,511, plus strand): 5'-CTGTTTTTTTTCCTTCCCGTTTTTGTCTCTTCACTAAGACAATATGAATGATGATTCAAG[TAACTTGAAAG>T]AAGGCAGTAAAGACAATCCCGAACCTCTAAAGTGCAAACAAGTGTGGCCAAAAGGAACAA-3'